The following is an entry in ClinVar:

NM_000059.4(BRCA2):c.4022del (p.Asp1340_Ser1341insTer)

Gene: BRCA2 (BRCA2 DNA repair associated; plus strand). Cytogenetic location: 13q13.1.
Variant type: Deletion.
Coding change: c.4022del on transcript NM_000059.4 (MANE Select); coding-DNA position 4022, one base deleted (C; older notation c.4022delC).
Protein change: p.Asp1340_Ser1341insTer.
Molecular consequence: nonsense. On other transcripts: frameshift variant (2).
Genome position (GRCh38, 1-based): chr13:32,338,377, C deleted. VCF-style (leftmost placement, unchanged base first): chr13-32338376-TC-T. GRCh37 (hg19) VCF-style: chr13-32912513-TC-T.
Other names: c.4022delC, p.Ser1341Terfs (NM_001406719.1, NM_001406720.1).
Identifiers: ClinVar variation 1737128 (VCV001737128.2), dbSNP rs2548527437, ClinGen allele CA2580087236.

ClinVar aggregate classification (germline): Pathogenic (1 of 4 stars; one submission).

Conditions:
Hereditary cancer-predisposing syndrome. Also called: Neoplastic Syndromes, Hereditary; Tumor predisposition; Hereditary Cancer Syndrome; Hereditary neoplastic syndrome. Identifiers: Orphanet 140162, MedGen C0027672, MeSH D009386, MONDO:0015356.

Submission:

Ambry Genetics
Classification: Pathogenic for Hereditary cancer-predisposing syndrome. Last evaluated: 2023-11-07. Review status: criteria provided, single submitter. Criteria: Ambry Variant Classification Scheme 2023. Collection method: clinical testing. Allele origin: germline.
Comment: The c.4022delC pathogenic mutation, located in coding exon 10 of the BRCA2 gene, results from a deletion of one nucleotide at nucleotide position 4022, causing a translational frameshift with a predicted alternate stop codon (p.S1341*). Another alteration, c.4022C>A, that leads to the same premature stop codon was observed in 1/7051 unselected female breast cancer patients and absent in 11241 female controls of Japanese ancestry (Momozawa Y et al. Nat Commun, 2018 10;9:4083), and was also observed in 1/830 Japanese patients who underwent genetic testing for BRCA1 and BRCA2 (Arai M et al. J. Hum. Genet., 2018 Apr;63:447-457). In addition to the clinical data presented in the literature, this alteration is expected to result in loss of function by premature protein truncation or nonsense-mediated mRNA decay. As such, this alteration is interpreted as a disease-causing mutation.

Literature cited by the submitters: PubMed 29176636; PubMed 30287823.